The following is an entry in ClinVar:

ClinVar aggregate classification (germline): Uncertain significance (0 of 4 stars; one submission).

Conditions:
FBXO28-related disorder. Also called: FBXO28-related condition.

gnomAD v4.1: 1 of 1,551,840 alleles (0.000064%); highest among the groups gnomAD compares: Non-Finnish European, 0.000087%; no homozygotes.

Submission:

PreventionGenetics, part of Exact Sciences
Classification: Uncertain significance for FBXO28-related condition. Last evaluated: 2024-07-06. Review status: no assertion criteria provided. Collection method: clinical testing. Allele origin: germline.
Comment: The FBXO28 c.107C>G variant is predicted to result in the amino acid substitution p.Pro36Arg. To our knowledge, this variant has not been reported in the literature or in a large population database, indicating this variant is rare. At this time, the clinical significance of this variant is uncertain due to the absence of conclusive functional and genetic evidence.

NM_015176.4(FBXO28):c.107C>G (p.Pro36Arg)

Gene: FBXO28 (F-box protein 28; plus strand). Cytogenetic location: 1q42.11.
Variant type: single nucleotide variant.
Coding change: c.107C>G on transcript NM_015176.4 (MANE Select); coding-DNA position 107, C replaced by G.
Protein change: p.Pro36Arg; replaces proline 36 with arginine.
Molecular consequence: missense variant. On other transcripts: non-coding transcript variant (1).
Genome position (GRCh38, 1-based): chr1:224,114,236, C>G. VCF-style: chr1-224114236-C-G. GRCh37 (hg19) VCF-style: chr1-224301938-C-G.
Other names: c.107C>G, p.Pro36Arg (NM_001136115.3); short protein forms P36R.
Identifiers: ClinVar variation 3344532 (VCV003344532.1).